The following is an entry in ClinVar:

ClinVar aggregate classification (germline): Uncertain significance (1 of 4 stars; one submission).

Conditions:
Hereditary cancer-predisposing syndrome. Also called: Neoplastic Syndromes, Hereditary; Tumor predisposition; Hereditary Cancer Syndrome; Hereditary neoplastic syndrome. Identifiers: Orphanet 140162, MedGen C0027672, MeSH D009386, MONDO:0015356.

Allele frequency attached by ClinVar (database versions not stated): gnomAD exomes below 0.00001.
gnomAD v4.1: 2 of 1,614,162 alleles (0.00012%); highest among the groups gnomAD compares: Non-Finnish European, 0.000085%; no homozygotes.

Submission:

Ambry Genetics
Classification: Uncertain significance for Hereditary cancer-predisposing syndrome. Last evaluated: 2021-06-23. Review status: criteria provided, single submitter. Criteria: Ambry Variant Classification Scheme 2023. Collection method: clinical testing. Allele origin: germline.
Comment: The p.V533E variant (also known as c.1598T>A), located in coding exon 15 of the POLE gene, results from a T to A substitution at nucleotide position 1598. The valine at codon 533 is replaced by glutamic acid, an amino acid with dissimilar properties. This amino acid position is conserved. In addition, the in silico prediction for this alteration is inconclusive. Since supporting evidence is limited at this time, the clinical significance of this alteration remains unclear.

NM_006231.4(POLE):c.1598T>A (p.Val533Glu)

Gene: POLE (DNA polymerase epsilon, catalytic subunit; minus strand). Cytogenetic location: 12q24.33.
Variant type: single nucleotide variant.
Coding change: c.1598T>A on transcript NM_006231.4 (MANE Select); coding-DNA position 1598, T replaced by A.
Protein change: p.Val533Glu; replaces valine 533 with glutamic acid.
Molecular consequence: missense variant.
Genome position (GRCh38, 1-based): chr12:132,672,715, A>T on the plus strand (T>A on the coding strand, the complement: POLE is on the minus strand). VCF-style: chr12-132672715-A-T. GRCh37 (hg19) VCF-style: chr12-133249301-A-T.
Other names: short protein forms V533E.
Identifiers: ClinVar variation 1776045 (VCV001776045.2), dbSNP rs2542134893, ClinGen allele CA387356850.